The following is an entry in ClinVar:

ClinVar aggregate classification (germline): Conflicting classifications of pathogenicity. Review status: criteria provided, conflicting classifications (1 of 4 stars). 4 submissions from 4 submitters: Uncertain significance (3); Likely benign (1). Last evaluated 2026-01-19.

Conditions:
ADGRV1-related disorder. Also called: ADGRV1-related disorders; ADGRV1-related condition.

Allele frequency attached by ClinVar (database versions not stated): gnomAD 0.00003 and 0.00005; gnomAD exomes 0.00003 and 0.00007; TOPMed 0.00006; ExAC 0.00009; 1000 Genomes Project 0.00040; 1000 Genomes Project 30x 0.00047.
gnomAD v4.1: 50 of 1,587,370 alleles (0.0031%); highest among the groups gnomAD compares: East Asian, 0.1%; no homozygotes.

Submissions (4):

Labcorp Genetics (formerly Invitae), Labcorp
Classification: Likely benign. Last evaluated: 2026-01-19. Review status: criteria provided, single submitter. Criteria: Invitae Variant Classification Sherloc (09022015). Collection method: clinical testing. Allele origin: germline.

PreventionGenetics, part of Exact Sciences
Classification: Uncertain significance for ADGRV1-related condition. Last evaluated: 2025-12-10. Review status: criteria provided, single submitter. Criteria: ACMG Guidelines, 2015. Collection method: clinical testing. Allele origin: germline.
Comment: The ADGRV1 c.18601A>C variant is predicted to result in the amino acid substitution p.Asn6201His. This variant was reported, along with a second potentially causative variant in the same gene, in an individual with retinal disease (supplementary data, Wang et al. 2018. PubMed ID: 30029497). This variant was also described in a large cohort of individuals with Dravet syndrome; however, a second potentially causative variant was not identified (Lee et al. 2020. PubMed ID: 33067208). This variant is reported in 0.099% of alleles in individuals of East Asian descent in gnomAD. At this time, the clinical significance of this variant is uncertain due to the absence of conclusive functional and genetic evidence.

Women's Health and Genetics/Laboratory Corporation of America, LabCorp
Classification: Uncertain significance. Last evaluated: 2023-06-20. Review status: criteria provided, single submitter. Criteria: LabCorp Variant Classification Summary - May 2015. Collection method: clinical testing. Allele origin: germline.
Comment: Variant summary: ADGRV1 c.18601A>C (p.Asn6201His) results in a conservative amino acid change in the encoded protein sequence. Three of five in-silico tools predict a damaging effect of the variant on protein function. The variant allele was found at a frequency of 7.1e-05 in 224156 control chromosomes (gnomAD). This frequency is not significantly higher than estimated for a pathogenic variant in ADGRV1 causing Usher Syndrome (7.1e-05 vs 0.0054), allowing no conclusion about variant significance. c.18601A>C has been reported in the literature in individuals affected with hearing loss (e.g. Miyagawa_2013), retinitis pigmentosa (Wang_2018) and febrile seizures (Lee_2018, Lee_2020). These data do not allow for any conclusion about variant significance. To our knowledge, no experimental evidence demonstrating an impact on protein function has been reported. The following publications have been ascertained in the context of this evaluation (PMID: 33067208, 29924869, 23967202, 30029497). One ClinVar submitter has assessed the variant since 2014 and classified the variant as likely benign. Based on the evidence outlined above, the variant was classified as uncertain significance.

Blueprint Genetics
Classification: Uncertain significance. Last evaluated: 2022-10-10. Review status: criteria provided, single submitter. Criteria: ACMG Guidelines, 2015. Collection method: clinical testing. Allele origin: germline.

Literature cited by the submitters: PubMed 23967202 (cited by Women's Health and Genetics/Laboratory Corporation of America, LabCorp); PubMed 30029497 (cited by Women's Health and Genetics/Laboratory Corporation of America, LabCorp); PubMed 29924869 (cited by Women's Health and Genetics/Laboratory Corporation of America, LabCorp); PubMed 33067208 (cited by Women's Health and Genetics/Laboratory Corporation of America, LabCorp).

NM_032119.4(ADGRV1):c.18601A>C (p.Asn6201His)

Gene: ADGRV1 (adhesion G protein-coupled receptor V1; plus strand). Cytogenetic location: 5q14.3.
Variant type: single nucleotide variant.
Coding change: c.18601A>C on transcript NM_032119.4 (MANE Select); coding-DNA position 18601, A replaced by C.
Protein change: p.Asn6201His; replaces asparagine 6201 with histidine.
Molecular consequence: missense variant. On other transcripts: non-coding transcript variant (1).
Genome position (GRCh38, 1-based): chr5:91,150,198, A>C. VCF-style: chr5-91150198-A-C. GRCh37 (hg19) VCF-style: chr5-90446015-A-C.
Other names: c.18601A>C (NM_032119.3); short protein forms N6201H.
Identifiers: ClinVar variation 1359058 (VCV001359058.8), dbSNP rs201299038, ClinGen allele CA3342692.